The following is an entry in ClinVar:

ClinVar aggregate classification (germline): Uncertain significance. Review status: criteria provided, multiple submitters, no conflicts (2 of 4 stars). 2 submissions from 2 submitters: Uncertain significance (2). Last evaluated 2024-11-12.

gnomAD v4.1: 39 of 1,611,628 alleles (0.0024%); highest among the groups gnomAD compares: Non-Finnish European, 0.0033%; no homozygotes.

Submissions (2):

Blueprint Genetics
Classification: Uncertain significance. Last evaluated: 2024-11-12. Review status: criteria provided, single submitter. Criteria: ACMG Guidelines, 2015. Collection method: clinical testing. Allele origin: germline.

Labcorp Genetics (formerly Invitae), Labcorp
Classification: Uncertain significance. Last evaluated: 2023-12-06. Review status: criteria provided, single submitter. Criteria: Invitae Variant Classification Sherloc (09022015). Collection method: clinical testing. Allele origin: germline.
Comment: This sequence change replaces isoleucine, which is neutral and non-polar, with leucine, which is neutral and non-polar, at codon 537 of the PIGB protein (p.Ile537Leu). This variant is present in population databases (no rsID available, gnomAD 0.004%). This variant has not been reported in the literature in individuals affected with PIGB-related conditions. ClinVar contains an entry for this variant (Variation ID: 1423964). Advanced modeling of protein sequence and biophysical properties (such as structural, functional, and spatial information, amino acid conservation, physicochemical variation, residue mobility, and thermodynamic stability) performed at Invitae indicates that this missense variant is not expected to disrupt PIGB protein function with a negative predictive value of 80%. In summary, the available evidence is currently insufficient to determine the role of this variant in disease. Therefore, it has been classified as a Variant of Uncertain Significance.

NM_004855.5(PIGB):c.1609A>T (p.Ile537Leu)

Genes: DNAAF4-CCPG1 (DNAAF4-CCPG1 readthrough (NMD candidate); minus strand), PIGB (phosphatidylinositol glycan anchor biosynthesis class B; plus strand), CCPG1 (cell cycle progression 1; minus strand). Cytogenetic location: 15q21.3.
Variant type: single nucleotide variant.
Coding change: c.1609A>T on transcript NM_004855.5 (MANE Select); coding-DNA position 1609, A replaced by T.
Protein change: p.Ile537Leu; replaces isoleucine 537 with leucine.
Molecular consequence: missense variant. On other transcripts: non-coding transcript variant (1), 3 prime UTR variant (4).
Genome position (GRCh38, 1-based): chr15:55,355,376, A>T. VCF-style: chr15-55355376-A-T. GRCh37 (hg19) VCF-style: chr15-55647574-A-T.
Other names: c.*844T>A (NM_001204450.2, NM_001204451.2); c.*4123T>A (NM_004748.6, NM_020739.5); short protein forms I537L.
Identifiers: ClinVar variation 1423964 (VCV001423964.6), dbSNP rs371775367, ClinGen allele CA270769006.